The following is an entry in ClinVar:

ClinVar aggregate classification (germline): Uncertain significance (1 of 4 stars; one submission).

Conditions:
Neurodevelopmental disorder with or without anomalies of the brain, eye, or heart (NEDBEH). Identifiers: Orphanet 494344, MedGen C5567477, MONDO:0014857, OMIM 616975.

Submission:

Pittsburgh Clinical Genomics Laboratory, University of Pittsburgh Medical Center
Classification: Uncertain significance for Neurodevelopmental disorder with or without anomalies of the brain, eye, or heart. Last evaluated: 2024-02-01. Review status: criteria provided, single submitter. Criteria: ACMG Guidelines, 2015. Collection method: clinical testing. Allele origin: germline. Inheritance: Autosomal dominant inheritance. Affected: yes.
Comment: This sequence variant is a single nucleotide substitution (C>G) at position 2784 of the coding sequence of the RERE gene that results in an isoleucine to methionine amino acid change at residue 928 of the arginine-glutamic acid dipeptide repeats protein. This novel variant is absent from ClinVar, published literature, and the gnomAD v4.0.0 population database (0/~1592000 alleles). Multiple bioinformatic tools predict that this amino acid change would be damaging, and the Ile928 residue at this position is highly conserved across the vertebrate species examined. Studies examining the functional consequence of this variant have not been performed, to our knowledge. At this time, there is insufficient evidence to determine if this variant is pathogenic or benign. Therefore, we consider this a variant of uncertain significance. ACMG Criteria: BP1, PM2, PP3

NM_001042681.2(RERE):c.2784C>G (p.Ile928Met)

Gene: RERE (arginine-glutamic acid dipeptide repeats; minus strand). Cytogenetic location: 1p36.23.
Variant type: single nucleotide variant.
Coding change: c.2784C>G on transcript NM_001042681.2 (MANE Select); coding-DNA position 2784, C replaced by G.
Protein change: p.Ile928Met; replaces isoleucine 928 with methionine.
Molecular consequence: missense variant.
Genome position (GRCh38, 1-based): chr1:8,360,723, G>C on the plus strand (C>G on the coding strand, the complement: RERE is on the minus strand). VCF-style: chr1-8360723-G-C. GRCh37 (hg19) VCF-style: chr1-8420783-G-C.
Other names: c.1122C>G, p.Ile374Met (NM_001042682.2); c.2784C>G, p.Ile928Met (NM_012102.4); short protein forms I374M, I928M.
Identifiers: ClinVar variation 3376374 (VCV003376374.1).